The following is an entry in ClinVar:

ClinVar aggregate classification (germline): Likely benign (1 of 4 stars; one submission).

Conditions:
Monogenic diabetes. Identifiers: Orphanet 183625, MedGen C3888631, MONDO:0015967.

gnomAD v4.1: 5 of 1,613,956 alleles (0.00031%); highest among the groups gnomAD compares: South Asian, 0.0011%; no homozygotes.

Submission:

Personalized Diabetes Medicine Program, University of Maryland School of Medicine
Classification: Likely benign for Monogenic diabetes. Last evaluated: 2018-10-26. Review status: criteria provided, single submitter. Criteria: ACMG Guidelines, 2015. Collection method: research. Allele origin: unknown. Observed: 1 variant allele, 1 heterozygote.
Comment: ACMG criteria: PM2, BP5,BP1 (truncating variants associated with MODY, PMID 29026101) = LB; in cis w P644S; REVEL 0.365 + PP3/6 predictors + BP4/4 predictors = conflicting evidence, not using

Literature cited by the submitters: PubMed 29026101.

NM_173560.4(RFX6):c.1955G>A (p.Arg652Gln)

Gene: RFX6 (regulatory factor X6; plus strand). Cytogenetic location: 6q22.1.
Variant type: single nucleotide variant.
Coding change: c.1955G>A on transcript NM_173560.4 (MANE Select); coding-DNA position 1955, G replaced by A.
Protein change: p.Arg652Gln; replaces arginine 652 with glutamine.
Molecular consequence: missense variant.
Genome position (GRCh38, 1-based): chr6:116,927,096, G>A. VCF-style: chr6-116927096-G-A. GRCh37 (hg19) VCF-style: chr6-117248259-G-A.
Other names: short protein forms R652Q.
Identifiers: ClinVar variation 917475 (VCV000917475.2), dbSNP rs867520268, ClinGen allele CA145974221.